The following is an entry in ClinVar:

NM_001267550.2(TTN):c.51628A>C (p.Lys17210Gln)

Genes: TTN (titin; minus strand), TTN-AS1 (TTN antisense RNA 1; plus strand). Cytogenetic location: 2q31.2.
Variant type: single nucleotide variant.
Coding change: c.51628A>C on transcript NM_001267550.2 (MANE Select); coding-DNA position 51628, A replaced by C.
Protein change: p.Lys17210Gln; replaces lysine 17210 with glutamine.
Molecular consequence: missense variant.
Genome position (GRCh38, 1-based): chr2:178,609,795, T>G on the plus strand (A>C on the coding strand, the complement: TTN is on the minus strand). VCF-style: chr2-178609795-T-G. GRCh37 (hg19) VCF-style: chr2-179474522-T-G.
Other names: c.46705A>C, p.Lys15569Gln (NM_001256850.1); c.24433A>C, p.Lys8145Gln (NM_003319.4); c.43924A>C, p.Lys14642Gln (NM_133378.4); c.24808A>C, p.Lys8270Gln (NM_133432.3); c.25009A>C, p.Lys8337Gln (NM_133437.4); short protein forms K14642Q, K15569Q, K17210Q, K8145Q, K8270Q, K8337Q.
Identifiers: ClinVar variation 2629450 (VCV002629450.2), dbSNP rs2470406584, ClinGen allele CA349583757.

ClinVar aggregate classification (germline): Conflicting classifications of pathogenicity. Review status: criteria provided, conflicting classifications (1 of 4 stars). 2 submissions from 2 submitters: Uncertain significance (1); Likely benign (1). Last evaluated 2025-04-09.

Conditions:
TTN-related disorder. Also called: TTN-related condition; TTN-related disease; TTN-related disorders.

Submissions (2):

Molecular Diagnostic Laboratory for Inherited Cardiovascular Disease, Montreal Heart Institute
Classification: Likely benign. Last evaluated: 2025-04-09. Review status: criteria provided, single submitter. Criteria: ACMG Guidelines, 2015. Collection method: clinical testing. Allele origin: germline. Affected: no.

PreventionGenetics, part of Exact Sciences
Classification: Uncertain significance for TTN-related condition. Last evaluated: 2023-06-21. Review status: criteria provided, single submitter. Criteria: ACMG Guidelines, 2015. Collection method: clinical testing. Allele origin: germline.
Comment: The TTN c.51628A>C variant is predicted to result in the amino acid substitution p.Lys17210Gln. To our knowledge, this variant has not been reported in the literature or in a large population database, indicating this variant is rare. At this time, the clinical significance of this variant is uncertain due to the absence of conclusive functional and genetic evidence.